The following is an entry in ClinVar:

ClinVar aggregate classification (germline): Uncertain significance (1 of 4 stars; one submission).

Submission:

Labcorp Genetics (formerly Invitae), Labcorp
Classification: Uncertain significance. Last evaluated: 2023-01-21. Review status: criteria provided, single submitter. Criteria: Invitae Variant Classification Sherloc (09022015). Collection method: clinical testing. Allele origin: germline.
Comment: This sequence change replaces glycine, which is neutral and non-polar, with serine, which is neutral and polar, at codon 171 of the LHFPL5 protein (p.Gly171Ser). This variant is not present in population databases (gnomAD no frequency). This missense change has been observed in individual(s) with deafness (Invitae). ClinVar contains an entry for this variant (Variation ID: 1465628). Algorithms developed to predict the effect of missense changes on protein structure and function are either unavailable or do not agree on the potential impact of this missense change (SIFT: "Deleterious"; PolyPhen-2: "Probably Damaging"; Align-GVGD: "Class C0"). In summary, the available evidence is currently insufficient to determine the role of this variant in disease. Therefore, it has been classified as a Variant of Uncertain Significance.

NM_182548.4(LHFPL5):c.511G>A (p.Gly171Ser)

Gene: LHFPL5 (LHFPL tetraspan subfamily member 5; plus strand). Cytogenetic location: 6p21.31.
Variant type: single nucleotide variant.
Coding change: c.511G>A on transcript NM_182548.4 (MANE Select); coding-DNA position 511, G replaced by A.
Protein change: p.Gly171Ser; replaces glycine 171 with serine.
Molecular consequence: missense variant.
Genome position (GRCh38, 1-based): chr6:35,814,644, G>A. VCF-style: chr6-35814644-G-A. GRCh37 (hg19) VCF-style: chr6-35782421-G-A.
Other names: short protein forms G171S.
Identifiers: ClinVar variation 1465628 (VCV001465628.6), dbSNP rs2151070819, ClinGen allele CA363785948.